The following is an entry in ClinVar:

NM_000719.7(CACNA1C):c.4705G>A (p.Ala1569Thr)

Genes: CACNA1C (calcium voltage-gated channel subunit alpha1 C; plus strand), CACNA1C-AS2 (CACNA1C antisense RNA 2; minus strand). Cytogenetic location: 12p13.33.
Variant type: single nucleotide variant.
Coding change: c.4705G>A on transcript NM_000719.7 (MANE Select); coding-DNA position 4705, G replaced by A.
Protein change: p.Ala1569Thr; replaces alanine 1569 with threonine.
Molecular consequence: missense variant. On other transcripts: non-coding transcript variant (1).
Genome position (GRCh38, 1-based): chr12:2,669,014, G>A. VCF-style: chr12-2669014-G-A. GRCh37 (hg19) VCF-style: chr12-2778180-G-A.
Other names: c.4849G>A, p.Ala1617Thr (NM_001129827.2, NM_199460.4); c.4771G>A, p.Ala1591Thr (NM_001129829.2); c.4705G>A, p.Ala1569Thr (NM_001129830.3, NM_001129833.2, NM_001129834.2 and 7 more transcripts); c.4789G>A, p.Ala1597Thr (NM_001129831.2); c.4765G>A, p.Ala1589Thr (NM_001129832.2); c.4756G>A, p.Ala1586Thr (NM_001129836.2); c.4672G>A, p.Ala1558Thr (NM_001129837.2, NM_001129838.2, NM_001129846.2 and 1 more transcripts); c.4666G>A, p.Ala1556Thr (NM_001129839.2); and 1 more; short protein forms A1566T, A1569T, A1586T, A1589T, A1597T, A1617T, A1556T, A1558T.
Identifiers: ClinVar variation 658373 (VCV000658373.9), dbSNP rs1603435357, ClinGen allele CA383377324.

ClinVar aggregate classification (germline): Uncertain significance (1 of 4 stars; one submission).

Conditions:
Long QT syndrome (LQTS). Identifiers: MedGen C0023976, MeSH D008133, MONDO:0002442. Disease mechanism: loss of function. Inheritance: Various modes of inheritance.

Allele frequency attached by ClinVar (database versions not stated): TOPMed below 0.00001.

Submission:

Labcorp Genetics (formerly Invitae), Labcorp
Classification: Uncertain significance for Long QT syndrome. Last evaluated: 2018-07-02. Review status: criteria provided, single submitter. Criteria: Invitae Variant Classification Sherloc (09022015). Collection method: clinical testing. Allele origin: germline.
Comment: This sequence change replaces alanine with threonine at codon 1569 of the CACNA1C protein (p.Ala1569Thr). The alanine residue is moderately conserved and there is a small physicochemical difference between alanine and threonine. In summary, the available evidence is currently insufficient to determine the role of this variant in disease. Therefore, it has been classified as a Variant of Uncertain Significance. Algorithms developed to predict the effect of missense changes on protein structure and function are either unavailable or do not agree on the potential impact of this missense change (SIFT: "Tolerated"; PolyPhen-2: "Possibly Damaging"; Align-GVGD: "Class C0"). This variant has not been reported in the literature in individuals with CACNA1C-related disease. This variant is not present in population databases (ExAC no frequency).